The following is an entry in ClinVar:

NC_000005.9:g.(?_45267181)_(45696195_?)dup

Gene: HCN1 (hyperpolarization activated cyclic nucleotide gated potassium channel 1; minus strand). Cytogenetic location: 5p12.
Variant type: Duplication.
Identifiers: ClinVar variation 1011739 (VCV001011739.2).

ClinVar aggregate classification (germline): Uncertain significance (1 of 4 stars; one submission).

Conditions:
Developmental and epileptic encephalopathy. Identifiers: MedGen C5779964, MONDO:0100620.

Submission:

Labcorp Genetics (formerly Invitae), Labcorp
Classification: Uncertain significance for Early-infantile DEE. Last evaluated: 2020-08-05. Review status: criteria provided, single submitter. Criteria: Invitae Variant Classification Sherloc (09022015). Collection method: clinical testing. Allele origin: germline.
Comment: This variant results in a copy number gain of the genomic region encompassing exons 1-7 of the HCN1 gene. The 5' end of this event is unknown as it extends beyond the assayed region for this gene and therefore may encompass additional genes. The 3' boundary is likely confined to intron 7 of the HCN1 gene. As the precise location of this event is unknown, it may be in tandem or it may be located elsewhere in the genome. This variant has not been reported in the literature in individuals with HCN1-related disease. In summary, the available evidence is currently insufficient to determine the role of this variant in disease. Therefore, it has been classified as a Variant of Uncertain Significance.